The following is an entry in ClinVar:

NM_153365.3(TAPT1):c.1A>G (p.Met1Val)

Gene: TAPT1 (transmembrane anterior posterior transformation 1; minus strand). Cytogenetic location: 4p15.32.
Variant type: single nucleotide variant.
Coding change: c.1A>G on transcript NM_153365.3 (MANE Select); coding-DNA position 1, A replaced by G.
Protein change: p.Met1Val; changes the start codon (methionine 1).
Molecular consequence: missense variant, initiator codon variant.
Genome position (GRCh38, 1-based): chr4:16,226,457, T>C on the plus strand (A>G on the coding strand, the complement: TAPT1 is on the minus strand). VCF-style: chr4-16226457-T-C. GRCh37 (hg19) VCF-style: chr4-16228080-T-C.
Other names: short protein forms M1V.
Identifiers: ClinVar variation 2791950 (VCV002791950.3), dbSNP rs1751573322, ClinGen allele CA356490783.

ClinVar aggregate classification (germline): Uncertain significance (1 of 4 stars; one submission).

Allele frequency attached by ClinVar (database versions not stated): gnomAD 0.00001.

Submission:

Labcorp Genetics (formerly Invitae), Labcorp
Classification: Uncertain significance. Last evaluated: 2025-10-01. Review status: criteria provided, single submitter. Criteria: Invitae Variant Classification Sherloc (09022015). Collection method: clinical testing. Allele origin: germline.
Comment: This sequence change affects the initiator codon of the TAPT1 mRNA. This change may impact translation initiation or efficiency. The next in-frame methionine is located at codon 112. The frequency data for this variant in the population databases is considered unreliable, as metrics indicate insufficient coverage at this position in the gnomAD database. This variant has not been reported in the literature in individuals affected with TAPT1-related conditions. ClinVar contains an entry for this variant (Variation ID: 2791950). Experimental studies and prediction algorithms are not available or were not evaluated, and the functional significance of this variant is currently unknown. In summary, the available evidence is currently insufficient to determine the role of this variant in disease. Therefore, it has been classified as a Variant of Uncertain Significance.